The following is an entry in ClinVar:

ClinVar aggregate classification (germline): Pathogenic/Likely pathogenic. Review status: criteria provided, multiple submitters, no conflicts (2 of 4 stars). 4 submissions from 4 submitters: Pathogenic (2); Likely pathogenic (2). Last evaluated 2025-03-26.

Conditions:
Galactosylceramide beta-galactosidase deficiency. Also called: Krabbe Disease; GALACTOCEREBROSIDASE DEFICIENCY; GALC DEFICIENCY; GLOBOID CELL LEUKOENCEPHALOPATHY; Leukodystrophy, Globoid Cell. Identifiers: Orphanet 487, MedGen C0023521, MONDO:0009499, OMIM 245200.

Allele frequency attached by ClinVar (database versions not stated): gnomAD exomes below 0.00001.
gnomAD v4.1: 6 of 1,611,810 alleles (0.00037%); highest among the groups gnomAD compares: Non-Finnish European, 0.00051%; no homozygotes.

Submissions (4):

3billion
Classification: Pathogenic for Galactosylceramide beta-galactosidase deficiency. Last evaluated: 2025-03-26. Review status: criteria provided, single submitter. Criteria: ACMG Guidelines, 2015. Collection method: clinical testing. Allele origin: germline. Affected: yes.

Natera, Inc.
Classification: Likely pathogenic for Galactosylceramide beta-galactosidase deficiency. Last evaluated: 2024-07-22. Review status: criteria provided, single submitter. Criteria: Natera Variant Classification Schema (03/2026). Collection method: clinical testing. Allele origin: germline.
Comment: The c.1034-2A>G variant in GALC is a canonical splice acceptor site variant predicted to affect pre-mRNA splicing, which may result in an abnormal transcript and altered protein product. This variant is expected to result in nonsense mediated decay, truncation, or a dysfunctional protein product. This variant is rare in the general population with a frequency below the threshold expected for the associated phenotype(s). Given the available evidence, this variant is classified as Likely Pathogenic.

Labcorp Genetics (formerly Invitae), Labcorp
Classification: Likely pathogenic for Galactosylceramide beta-galactosidase deficiency. Last evaluated: 2023-03-17. Review status: criteria provided, single submitter. Criteria: Invitae Variant Classification Sherloc (09022015). Collection method: clinical testing. Allele origin: germline.
Comment: In summary, the currently available evidence indicates that the variant is pathogenic, but additional data are needed to prove that conclusively. Therefore, this variant has been classified as Likely Pathogenic. Algorithms developed to predict the effect of sequence changes on RNA splicing suggest that this variant may disrupt the consensus splice site. ClinVar contains an entry for this variant (Variation ID: 2137613). This variant has not been reported in the literature in individuals affected with GALC-related conditions. This variant is not present in population databases (gnomAD no frequency). This sequence change affects an acceptor splice site in intron 9 of the GALC gene. It is expected to disrupt RNA splicing. Variants that disrupt the donor or acceptor splice site typically lead to a loss of protein function (PMID: 16199547), and loss-of-function variants in GALC are known to be pathogenic (PMID: 7437911, 9272171, 16607461).

Clinical Genetics Laboratory, Skane University Hospital Lund
Classification: Pathogenic. Last evaluated: 2022-05-27. Review status: criteria provided, single submitter. Criteria: ACMG Guidelines, 2015. Collection method: clinical testing. Allele origin: germline. Affected: yes.

Literature cited by the submitters: PubMed 26795590 (cited by 3billion); PubMed 16199547 (cited by Labcorp Genetics (formerly Invitae), Labcorp); PubMed 7437911 (cited by Labcorp Genetics (formerly Invitae), Labcorp); PubMed 9272171 (cited by Labcorp Genetics (formerly Invitae), Labcorp); PubMed 16607461 (cited by Labcorp Genetics (formerly Invitae), Labcorp).

NM_000153.4(GALC):c.1034-2A>G

Gene: GALC (galactosylceramidase; minus strand). Cytogenetic location: 14q31.3.
Variant type: single nucleotide variant.
Coding change: c.1034-2A>G on transcript NM_000153.4 (MANE Select); the canonical splice acceptor site of the intron before coding-DNA position 1034, A replaced by G.
Molecular consequence: splice acceptor variant.
Genome position (GRCh38, 1-based): chr14:87,963,513, T>C on the plus strand (A>G on the coding strand, the complement: GALC is on the minus strand). VCF-style: chr14-87963513-T-C. GRCh37 (hg19) VCF-style: chr14-88429857-T-C.
Other names: c.1034-2A>G (NM_000153.3); c.956-2A>G (NM_001201402.2); c.965-2A>G (NM_001201401.2).
Identifiers: ClinVar variation 2137613 (VCV002137613.7), dbSNP rs2503431601, ClinGen allele CA390747390.
Genomic context (GRCh38, chr14:87,963,513, plus strand): 5'-TAAATGGCCAACTGTCTTCAGGTAATACCAGCCAGGTTGAGTAAACTGAGTGGTATGAGC[T>C]ATAGAAAAACAGAAAGTTCCAAATAAGACAAAAATGGTAATAATAGTATTTCTTTTGGGA-3'